The following is an entry in ClinVar:

ClinVar aggregate classification (germline): Likely benign (1 of 4 stars; one submission).

Allele frequency attached by ClinVar (database versions not stated): gnomAD 0.00001.

Submission:

GeneDx
Classification: Likely benign. Last evaluated: 2025-02-03. Review status: criteria provided, single submitter. Criteria: GeneDx Variant Classification Process June 2021. Collection method: clinical testing. Allele origin: germline. Affected: yes.
Comment: See Variant Classification Assertion Criteria.

NM_002739.5(PRKCG):c.878C>G (p.Ala293Gly)

Gene: PRKCG (protein kinase C gamma; plus strand). Cytogenetic location: 19q13.42.
Variant type: single nucleotide variant.
Coding change: c.878C>G on transcript NM_002739.5 (MANE Select); coding-DNA position 878, C replaced by G.
Protein change: p.Ala293Gly; replaces alanine 293 with glycine.
Molecular consequence: missense variant.
Genome position (GRCh38, 1-based): chr19:53,893,044, C>G. VCF-style: chr19-53893044-C-G. GRCh37 (hg19) VCF-style: chr19-54396298-C-G.
Other names: c.878C>G, p.Ala293Gly (NM_001316329.2); short protein forms A293G.
Identifiers: ClinVar variation 1198564 (VCV001198564.3), dbSNP rs2068691442, ClinGen allele CA407417003.